The following is an entry in ClinVar:

ClinVar aggregate classification (germline): Benign. Review status: criteria provided, multiple submitters, no conflicts (2 of 4 stars). 3 submissions from 3 submitters: Benign (2). 1 of the submissions does not count toward it. Last evaluated 2026-01-26.

Conditions:
LAMA5-related disorder. Also called: LAMA5-Related Disorders; LAMA5-related condition.

Allele frequency attached by ClinVar (database versions not stated): 1000 Genomes Project 0.00619; 1000 Genomes Project 30x 0.00625; ESP Exome Variant Server 0.00116; gnomAD 0.00077; TOPMed 0.00102; ExAC 0.00380.
gnomAD v4.1: 2,939 of 1,610,144 alleles (0.18%); highest among the groups gnomAD compares: South Asian, 1.8%; 50 homozygotes.

Submissions (3):

Labcorp Genetics (formerly Invitae), Labcorp
Classification: Benign. Last evaluated: 2026-01-26. Review status: criteria provided, single submitter. Criteria: Invitae Variant Classification Sherloc (09022015). Collection method: clinical testing. Allele origin: germline.

Breakthrough Genomics
Classification: Benign. Review status: criteria provided, single submitter. Criteria: ACMG Guidelines, 2015. Collection method: not provided. Allele origin: germline. Inheritance: Autosomal recessive inheritance. Affected: yes.

PreventionGenetics, part of Exact Sciences
Classification: Benign for LAMA5-related condition. Last evaluated: 2019-05-30. Review status: no assertion criteria provided. Collection method: clinical testing. Allele origin: germline. Not counted in ClinVar's aggregate classification.
Comment: This variant is classified as benign based on ACMG/AMP sequence variant interpretation guidelines (Richards et al. 2015 PMID: 25741868, with internal and published modifications).

NM_005560.6(LAMA5):c.7138G>A (p.Gly2380Ser)

Gene: LAMA5 (laminin subunit alpha 5; minus strand). Cytogenetic location: 20q13.33.
Variant type: single nucleotide variant.
Coding change: c.7138G>A on transcript NM_005560.6 (MANE Select); coding-DNA position 7138, G replaced by A.
Protein change: p.Gly2380Ser; replaces glycine 2380 with serine.
Molecular consequence: missense variant.
Genome position (GRCh38, 1-based): chr20:62,318,555, C>T on the plus strand (G>A on the coding strand, the complement: LAMA5 is on the minus strand). VCF-style: chr20-62318555-C-T. GRCh37 (hg19) VCF-style: chr20-60893611-C-T.
Other names: short protein forms G2380S.
Identifiers: ClinVar variation 775440 (VCV000775440.12), dbSNP rs150998056, ClinGen allele CA9941405.